The following is an entry in ClinVar:

ClinVar aggregate classification (germline): Uncertain significance (1 of 4 stars; one submission).

Conditions:
TNF receptor-associated periodic fever syndrome (TRAPS) (FPF). Also called: FAMILIAL HIBERNIAN FEVER; TNF RECEPTOR-ASSOCIATED PERIODIC SYNDROME; TUMOR NECROSIS FACTOR RECEPTOR-ASSOCIATED PERIODIC SYNDROME; Autosomal Dominant Familial Periodic Fever; TNF Receptor-Associated Periodic Fever Syndrome; TNF receptor 1-associated periodic fever syndrome. Identifiers: Orphanet 32960, MedGen C1275126, MONDO:0007727, OMIM 142680.

Submission:

Labcorp Genetics (formerly Invitae), Labcorp
Classification: Uncertain significance for TNF receptor-associated periodic fever syndrome (TRAPS). Last evaluated: 2023-04-15. Review status: criteria provided, single submitter. Criteria: Invitae Variant Classification Sherloc (09022015). Collection method: clinical testing. Allele origin: germline.
Comment: In summary, the available evidence is currently insufficient to determine the role of this variant in disease. Therefore, it has been classified as a Variant of Uncertain Significance. Advanced modeling of protein sequence and biophysical properties (such as structural, functional, and spatial information, amino acid conservation, physicochemical variation, residue mobility, and thermodynamic stability) has been performed at Invitae for this missense variant, however the output from this modeling did not meet the statistical confidence thresholds required to predict the impact of this variant on TNFRSF1A protein function. This variant has not been reported in the literature in individuals affected with TNFRSF1A-related conditions. This variant is not present in population databases (gnomAD no frequency). This sequence change replaces proline, which is neutral and non-polar, with glutamine, which is neutral and polar, at codon 448 of the TNFRSF1A protein (p.Pro448Gln).

NM_001065.4(TNFRSF1A):c.1343C>A (p.Pro448Gln)

Gene: TNFRSF1A (TNF receptor superfamily member 1A; minus strand). Cytogenetic location: 12p13.31.
Variant type: single nucleotide variant.
Coding change: c.1343C>A on transcript NM_001065.4 (MANE Select); coding-DNA position 1343, C replaced by A.
Protein change: p.Pro448Gln; replaces proline 448 with glutamine.
Molecular consequence: missense variant. On other transcripts: non-coding transcript variant (1).
Genome position (GRCh38, 1-based): chr12:6,329,337, G>T on the plus strand (C>A on the coding strand, the complement: TNFRSF1A is on the minus strand). VCF-style: chr12-6329337-G-T. GRCh37 (hg19) VCF-style: chr12-6438503-G-T.
Other names: c.1019C>A, p.Pro340Gln (NM_001346091.2); c.884C>A, p.Pro295Gln (NM_001346092.2); short protein forms P295Q, P448Q, P340Q.
Identifiers: ClinVar variation 2856624 (VCV002856624.3), dbSNP rs1289887403, ClinGen allele CA383544268.